The following is an entry in ClinVar:

NM_000391.4(TPP1):c.1148C>T (p.Pro383Leu)

Gene: TPP1 (tripeptidyl peptidase 1; minus strand). Cytogenetic location: 11p15.4.
Variant type: single nucleotide variant.
Coding change: c.1148C>T on transcript NM_000391.4 (MANE Select); coding-DNA position 1148, C replaced by T.
Protein change: p.Pro383Leu; replaces proline 383 with leucine.
Molecular consequence: missense variant.
Genome position (GRCh38, 1-based): chr11:6,615,560, G>A on the plus strand (C>T on the coding strand, the complement: TPP1 is on the minus strand). VCF-style: chr11-6615560-G-A. GRCh37 (hg19) VCF-style: chr11-6636791-G-A.
Other names: short protein forms P383L.
Identifiers: ClinVar variation 1402653 (VCV001402653.8), dbSNP rs763492759, ClinGen allele CA379473196.

ClinVar aggregate classification (germline): Uncertain significance (1 of 4 stars; one submission).

Submission:

Labcorp Genetics (formerly Invitae), Labcorp
Classification: Uncertain significance. Last evaluated: 2022-03-11. Review status: criteria provided, single submitter. Criteria: Invitae Variant Classification Sherloc (09022015). Collection method: clinical testing. Allele origin: germline.
Comment: In summary, the available evidence is currently insufficient to determine the role of this variant in disease. Therefore, it has been classified as a Variant of Uncertain Significance. Algorithms developed to predict the effect of missense changes on protein structure and function (SIFT, PolyPhen-2, Align-GVGD) all suggest that this variant is likely to be disruptive. This variant has not been reported in the literature in individuals affected with TPP1-related conditions. This variant is not present in population databases (gnomAD no frequency). This sequence change replaces proline, which is neutral and non-polar, with leucine, which is neutral and non-polar, at codon 383 of the TPP1 protein (p.Pro383Leu).